The following is an entry in ClinVar:

NM_005263.5(GFI1):c.914T>A (p.Val305Glu)

Gene: GFI1 (growth factor independent 1 transcriptional repressor; minus strand). Cytogenetic location: 1p22.1.
Variant type: single nucleotide variant.
Coding change: c.914T>A on transcript NM_005263.5 (MANE Select); coding-DNA position 914, T replaced by A.
Protein change: p.Val305Glu; replaces valine 305 with glutamic acid.
Molecular consequence: missense variant.
Genome position (GRCh38, 1-based): chr1:92,480,358, A>T on the plus strand (T>A on the coding strand, the complement: GFI1 is on the minus strand). VCF-style: chr1-92480358-A-T. GRCh37 (hg19) VCF-style: chr1-92945915-A-T.
Other names: c.914T>A, p.Val305Glu (NM_001127215.3, NM_001127216.3); short protein forms V305E.
Identifiers: ClinVar variation 4827135 (VCV004827135.1).

ClinVar aggregate classification (germline): Uncertain significance (1 of 4 stars; one submission).

gnomAD v4.1: 2 of 1,549,738 alleles (0.00013%); highest among the groups gnomAD compares: South Asian, 0.0012%; no homozygotes.

Submission:

Ambry Genetics
Classification: Uncertain significance. Last evaluated: 2026-03-06. Review status: criteria provided, single submitter. Criteria: Ambry Variant Classification Scheme 2023. Collection method: clinical testing. Allele origin: germline.
Comment: The p.V305E variant (also known as c.914T>A), located in coding exon 4 of the GFI1 gene, results from a T to A substitution at nucleotide position 914. The valine at codon 305 is replaced by glutamic acid, an amino acid with dissimilar properties. This amino acid position is conserved. In addition, the in silico prediction for this alteration is inconclusive. Based on the available evidence, the clinical significance of this variant remains unclear.